The following is an entry in ClinVar:

NM_001267550.2(TTN):c.80459A>C (p.Gln26820Pro)

Genes: TTN-AS1 (TTN antisense RNA 1; plus strand), TTN (titin; minus strand). Cytogenetic location: 2q31.2.
Variant type: single nucleotide variant.
Coding change: c.80459A>C on transcript NM_001267550.2 (MANE Select); coding-DNA position 80459, A replaced by C.
Protein change: p.Gln26820Pro; replaces glutamine 26820 with proline.
Molecular consequence: missense variant.
Genome position (GRCh38, 1-based): chr2:178,565,673, T>G on the plus strand (A>C on the coding strand, the complement: TTN is on the minus strand). VCF-style: chr2-178565673-T-G. GRCh37 (hg19) VCF-style: chr2-179430400-T-G.
Other names: c.75536A>C, p.Gln25179Pro (NM_001256850.1); c.53264A>C, p.Gln17755Pro (NM_003319.4); c.72755A>C, p.Gln24252Pro (NM_133378.4); c.53639A>C, p.Gln17880Pro (NM_133432.3); c.53840A>C, p.Gln17947Pro (NM_133437.4); short protein forms Q17947P, Q25179P, Q24252P, Q17755P, Q17880P, Q26820P.
Identifiers: ClinVar variation 2944198 (VCV002944198.3), dbSNP rs2468255373, ClinGen allele CA349588689.

ClinVar aggregate classification (germline): Uncertain significance (1 of 4 stars; one submission).

Conditions:
Dilated cardiomyopathy 1G (CMD1G). Identifiers: Orphanet 154, MedGen C1858763, MONDO:0011400, OMIM 604145.
Autosomal recessive limb-girdle muscular dystrophy type 2J (LGMDR10). Also called: MUSCULAR DYSTROPHY, LIMB-GIRDLE, AUTOSOMAL RECESSIVE 10; Limb-girdle muscular dystrophy, type 2J. Identifiers: Orphanet 140922, MedGen C1837342, MONDO:0012127, OMIM 608807.

Submission:

Labcorp Genetics (formerly Invitae), Labcorp
Classification: Uncertain significance for Dilated cardiomyopathy 1G; Autosomal recessive limb-girdle muscular dystrophy type 2J. Last evaluated: 2023-10-10. Review status: criteria provided, single submitter. Criteria: Invitae Variant Classification Sherloc (09022015). Collection method: clinical testing. Allele origin: germline.
Comment: This sequence change replaces glutamine, which is neutral and polar, with proline, which is neutral and non-polar, at codon 26820 of the TTN protein (p.Gln26820Pro). This variant is not present in population databases (gnomAD no frequency). This variant has not been reported in the literature in individuals affected with TTN-related conditions. Experimental studies and prediction algorithms are not available or were not evaluated, and the functional significance of this variant is currently unknown. In summary, the available evidence is currently insufficient to determine the role of this variant in disease. Therefore, it has been classified as a Variant of Uncertain Significance.